The following is an entry in ClinVar:

ClinVar aggregate classification (germline): Uncertain significance (1 of 4 stars; one submission).

Submission:

Labcorp Genetics (formerly Invitae), Labcorp
Classification: Uncertain significance. Last evaluated: 2019-12-17. Review status: criteria provided, single submitter. Criteria: Invitae Variant Classification Sherloc (09022015). Collection method: clinical testing. Allele origin: germline.
Comment: In summary, the available evidence is currently insufficient to determine the role of this variant in disease. Therefore, it has been classified as a Variant of Uncertain Significance. Algorithms developed to predict the effect of missense changes on protein structure and function are either unavailable or do not agree on the potential impact of this missense change (SIFT: "Deleterious"; PolyPhen-2: "Probably Damaging"; Align-GVGD: "Class C65"). This variant has not been reported in the literature in individuals with IDH3B-related conditions. This variant is not present in population databases (ExAC no frequency). This sequence change replaces proline with leucine at codon 241 of the IDH3B protein (p.Pro241Leu). The proline residue is highly conserved and there is a moderate physicochemical difference between proline and leucine.

NM_006899.5(IDH3B):c.722C>T (p.Pro241Leu)

Gene: IDH3B (isocitrate dehydrogenase (NAD(+)) 3 non-catalytic subunit beta; minus strand). Cytogenetic location: 20p13.
Variant type: single nucleotide variant.
Coding change: c.722C>T on transcript NM_006899.5 (MANE Select); coding-DNA position 722, C replaced by T.
Protein change: p.Pro241Leu; replaces proline 241 with leucine.
Molecular consequence: missense variant. On other transcripts: non-coding transcript variant (1).
Genome position (GRCh38, 1-based): chr20:2,660,309, G>A on the plus strand (C>T on the coding strand, the complement: IDH3B is on the minus strand). VCF-style: chr20-2660309-G-A. GRCh37 (hg19) VCF-style: chr20-2640955-G-A.
Other names: c.722C>T, p.Pro241Leu (NM_001258384.3, NM_001330763.2, NM_174855.4); short protein forms P241L.
Identifiers: ClinVar variation 840811 (VCV000840811.8), dbSNP rs2086918717, ClinGen allele CA408036351.